The following is an entry in ClinVar:

NM_015015.3(KDM4B):c.1732G>C (p.Ala578Pro)

Genes: KDM4B (lysine demethylase 4B; plus strand), LOC130063244 (ATAC-STARR-seq lymphoblastoid active region 13796; plus strand). Cytogenetic location: 19p13.3.
Variant type: single nucleotide variant.
Coding change: c.1732G>C on transcript NM_015015.3 (MANE Select); coding-DNA position 1732, G replaced by C.
Protein change: p.Ala578Pro; replaces alanine 578 with proline.
Molecular consequence: missense variant.
Genome position (GRCh38, 1-based): chr19:5,131,492, G>C. VCF-style: chr19-5131492-G-C. GRCh37 (hg19) VCF-style: chr19-5131503-G-C.
Other names: c.1732G>C (NM_015015.2); c.1834G>C, p.Ala612Pro (NM_001411148.1); short protein forms A578P, A612P.
Identifiers: ClinVar variation 2649102 (VCV002649102.27), dbSNP rs144327370, ClinGen allele CA9107925.

ClinVar aggregate classification (germline): Conflicting classifications of pathogenicity. Review status: criteria provided, conflicting classifications (1 of 4 stars). 4 submissions from 4 submitters: Uncertain significance (1); Likely benign (2). 1 of the submissions does not count toward it. Last evaluated 2026-05-01.

Conditions:
Inborn genetic diseases. Identifiers: MedGen C0950123, MeSH D030342.
KDM4B-related disorder. Also called: KDM4B-related condition.

Allele frequency attached by ClinVar (database versions not stated): 1000 Genomes Project 30x 0.00016; 1000 Genomes Project 0.00020; ExAC 0.00111; gnomAD 0.00111; ESP Exome Variant Server 0.00139; gnomAD exomes 0.00183.
gnomAD v4.1: 2,802 of 1,567,036 alleles (0.18%); highest among the groups gnomAD compares: Non-Finnish European, 0.23%; 6 homozygotes.

Submissions (4):

CeGaT Center for Human Genetics Tuebingen
Classification: Likely benign. Last evaluated: 2026-05-01. Review status: criteria provided, single submitter. Criteria: CeGaT Center For Human Genetics Tuebingen Variant Classification Criteria Version 2. Collection method: clinical testing. Allele origin: germline. Affected: yes. Observed: 6 variant alleles.
Comment: KDM4B: BP4, BS1

Ambry Genetics
Classification: Uncertain significance for Inborn genetic diseases. Last evaluated: 2025-03-11. Review status: criteria provided, single submitter. Criteria: Ambry Variant Classification Scheme 2023. Collection method: clinical testing. Allele origin: germline.

Blueprint Genetics
Classification: Likely benign. Last evaluated: 2024-11-20. Review status: criteria provided, single submitter. Criteria: ACMG Guidelines, 2015. Collection method: clinical testing. Allele origin: germline.

PreventionGenetics, part of Exact Sciences
Classification: Likely benign for KDM4B-related condition. Last evaluated: 2022-01-31. Review status: no assertion criteria provided. Collection method: clinical testing. Allele origin: germline. Not counted in ClinVar's aggregate classification.
Comment: This variant is classified as likely benign based on ACMG/AMP sequence variant interpretation guidelines (Richards et al. 2015 PMID: 25741868, with internal and published modifications).